The following is an entry in ClinVar:

NM_032444.4(SLX4):c.1186C>G (p.Leu396Val)

Gene: SLX4 (SLX4 structure-specific endonuclease subunit; minus strand). Cytogenetic location: 16p13.3.
Variant type: single nucleotide variant.
Coding change: c.1186C>G on transcript NM_032444.4 (MANE Select); coding-DNA position 1186, C replaced by G.
Protein change: p.Leu396Val; replaces leucine 396 with valine.
Molecular consequence: missense variant.
Genome position (GRCh38, 1-based): chr16:3,597,977, G>C on the plus strand (C>G on the coding strand, the complement: SLX4 is on the minus strand). VCF-style: chr16-3597977-G-C. GRCh37 (hg19) VCF-style: chr16-3647978-G-C.
Other names: short protein forms L396V.
Identifiers: ClinVar variation 803201 (VCV000803201.5), dbSNP rs1596528058, ClinGen allele CA394529898.
Genomic context (GRCh38, chr16:3,597,977, plus strand): 5'-CCTCGTCCACCTTCCGCCTCTTCCGTGGCTCCTTCTTGCTGGTGGGTCCTCTCCGTTTCA[G>C]ACCTCTACTGTGATCACTGAAGCTAGAAAACAGCCAAAGAGAAAAGTTACTGGGGCTAGA-3'
Protein context (NP_115820.2, residues 386-406): MFSFSDHSRG[Leu396Val]KRRGPTSKKE

ClinVar aggregate classification (germline): Uncertain significance. Review status: criteria provided, multiple submitters, no conflicts (2 of 4 stars). 2 submissions from 2 submitters: Uncertain significance (2). Last evaluated 2024-02-17.

Conditions:
Fanconi anemia (FA). Also called: Fanconi's anemia. Identifiers: Orphanet 84, MedGen C0015625, MeSH D005199, MONDO:0019391.
Fanconi anemia complementation group A (FANCA). Also called: Fanconi anemia, group A; FANCA-Related Fanconi Anemia. Identifiers: Orphanet 84, MedGen C3469521, MONDO:0009215, OMIM 227650.

Allele frequency attached by ClinVar (database versions not stated): gnomAD exomes below 0.00001.
gnomAD v4.1: 1 of 1,614,160 alleles (0.000062%); highest among the groups gnomAD compares: Non-Finnish European, 0.000085%; no homozygotes.

Submissions (2):

Labcorp Genetics (formerly Invitae), Labcorp
Classification: Uncertain significance for Fanconi anemia. Last evaluated: 2024-02-17. Review status: criteria provided, single submitter. Criteria: Invitae Variant Classification Sherloc (09022015). Collection method: clinical testing. Allele origin: germline.
Comment: This sequence change replaces leucine, which is neutral and non-polar, with valine, which is neutral and non-polar, at codon 396 of the SLX4 protein (p.Leu396Val). This variant is not present in population databases (gnomAD no frequency). This missense change has been observed in individual(s) with breast cancer (PMID: 28202063). ClinVar contains an entry for this variant (Variation ID: 803201). Algorithms developed to predict the effect of missense changes on protein structure and function output the following: SIFT: "Not Available"; PolyPhen-2: "Benign"; Align-GVGD: "Not Available". The valine amino acid residue is found in multiple mammalian species, which suggests that this missense change does not adversely affect protein function. In summary, the available evidence is currently insufficient to determine the role of this variant in disease. Therefore, it has been classified as a Variant of Uncertain Significance.

Mendelics
Classification: Uncertain significance for Fanconi anemia complementation group A. Last evaluated: 2019-05-28. Review status: criteria provided, single submitter. Criteria: Mendelics Assertion Criteria 2017. Collection method: clinical testing. Allele origin: unknown.

Literature cited by the submitters: PubMed 28202063 (cited by Labcorp Genetics (formerly Invitae), Labcorp).